The following is an entry in ClinVar:

NM_000264.5(PTCH1):c.2936A>G (p.Asn979Ser)

Gene: PTCH1 (patched 1; minus strand). Cytogenetic location: 9q22.32.
Variant type: single nucleotide variant.
Coding change: c.2936A>G on transcript NM_000264.5 (MANE Select); coding-DNA position 2936, A replaced by G.
Protein change: p.Asn979Ser; replaces asparagine 979 with serine.
Molecular consequence: missense variant. On other transcripts: non-coding transcript variant (1).
Genome position (GRCh38, 1-based): chr9:95,458,245, T>C on the plus strand (A>G on the coding strand, the complement: PTCH1 is on the minus strand). VCF-style: chr9-95458245-T-C. GRCh37 (hg19) VCF-style: chr9-98220527-T-C.
Other names: c.2738A>G, p.Asn913Ser (NM_001083602.3); c.2933A>G, p.Asn978Ser (NM_001083603.3); c.2483A>G, p.Asn828Ser (NM_001083604.3, NM_001083605.3, NM_001083606.3 and 1 more transcripts); c.2780A>G, p.Asn927Ser (NM_001354918.2); short protein forms N913S, N979S, N978S, N828S, N927S.
Identifiers: ClinVar variation 453837 (VCV000453837.14), dbSNP rs758907408, ClinGen allele CA5138281.

ClinVar aggregate classification (germline): Conflicting classifications of pathogenicity. Review status: criteria provided, conflicting classifications (1 of 4 stars). 4 submissions from 4 submitters: Uncertain significance (2); Likely benign (2). Last evaluated 2025-05-26.

Conditions:
Hereditary cancer-predisposing syndrome. Also called: Tumor predisposition; Hereditary Cancer Syndrome; Neoplastic Syndromes, Hereditary; Hereditary neoplastic syndrome. Identifiers: Orphanet 140162, MedGen C0027672, MeSH D009386, MONDO:0015356.
Gorlin syndrome. Also called: Basal cell nevus syndrome; Nevoid Basal Cell Carcinoma Syndrome. Identifiers: Orphanet 377, MedGen C0004779, MONDO:0007187.

Allele frequency attached by ClinVar (database versions not stated): ExAC 0.00002; gnomAD exomes 0.00002 and 0.00001; gnomAD 0.00001; TOPMed 0.00001.
gnomAD v4.1: 11 of 1,613,744 alleles (0.00068%); highest among the groups gnomAD compares: East Asian, 0.0045%; no homozygotes.

Submissions (5):

Labcorp Genetics (formerly Invitae), Labcorp
Classification: Likely benign for Gorlin syndrome. Last evaluated: 2025-05-26. Review status: criteria provided, single submitter. Criteria: Invitae Variant Classification Sherloc (09022015). Collection method: clinical testing. Allele origin: germline.

Ambry Genetics
Classification: Likely benign for Hereditary cancer-predisposing syndrome. Last evaluated: 2025-05-19. Review status: criteria provided, single submitter. Criteria: Ambry Variant Classification Scheme 2023. Collection method: clinical testing. Allele origin: germline.

GeneDx
Classification: Uncertain significance. Last evaluated: 2024-03-07. Review status: criteria provided, single submitter. Criteria: GeneDx Variant Classification Process June 2021. Collection method: clinical testing. Allele origin: germline. Affected: yes.
Comment: In silico analysis supports that this missense variant does not alter protein structure/function; Has not been previously published as pathogenic or benign to our knowledge; This variant is associated with the following publications: (PMID: 8906794)

Women's Health and Genetics/Laboratory Corporation of America, LabCorp
Classification: Uncertain significance. Last evaluated: 2023-12-11. Review status: criteria provided, single submitter. Criteria: LabCorp Variant Classification Summary - May 2015. Collection method: clinical testing. Allele origin: germline.
Comment: Variant summary: PTCH1 c.2936A>G (p.Asn979Ser) results in a conservative amino acid change in the encoded protein sequence. Four of five in-silico tools predict a benign effect of the variant on protein function. The variant allele was found at a frequency of 1.6e-05 in 250426 control chromosomes, predominantly at a frequency of 5.4e-05 within the East Asian subpopulation in the gnomAD database. The available data on variant occurrences in the general population are insufficient to allow any conclusion about variant significance. To our knowledge, no occurrence of c.2936A>G in individuals affected with Nevoid Basal Cell Carcinoma Syndrome (Gorlin Syndrome) and no experimental evidence demonstrating its impact on protein function have been reported. Two submitters have cited clinical-significance assessments for this variant to ClinVar after 2014. One submitter classified the variant as likely benign, and one submitter classified the variant as uncertain significance. Based on the evidence outlined above, the variant was classified as uncertain significance.

Dr. Peter K. Rogan Lab, Western University
No classification provided (evidence only). Condition: Lung cancer. Review status: no classification provided. Collection method: in vitro. Allele origin: not applicable. Functional consequence: retained intron. Not counted in ClinVar's aggregate classification.

Literature cited by the submitters: PubMed 28518168 (cited by Ambry Genetics); PubMed 32461654 (cited by Ambry Genetics).